The following is an entry in ClinVar:

NM_181507.2(HPS5):c.2928_2929dup (p.Thr977fs)

Gene: HPS5 (HPS5 biogenesis of lysosomal organelles complex 2 subunit 2; minus strand). Cytogenetic location: 11p15.1.
Variant type: Duplication.
Coding change: c.2928_2929dup on transcript NM_181507.2 (MANE Select); coding-DNA positions 2928 to 2929, 2 bases duplicated (GA; older notation c.2928_2929dupGA).
Protein change: p.Thr977fs; shifts the reading frame from threonine 977.
Molecular consequence: frameshift variant.
Genome position (GRCh38, 1-based): chr11:18,285,368-18,285,369, TC duplicated on the plus strand (GA on the coding strand, the reverse complement: HPS5 is on the minus strand). VCF-style (leftmost placement, unchanged base first): chr11-18285367-G-GTC. GRCh37 (hg19) VCF-style: chr11-18306914-G-GTC.
Other names: c.2928_2929dupGA (NM_181507.1); c.2586_2587dup, p.Thr863fs (NM_007216.4); c.2586_2587dup, p.Thr863Argfs (NM_181508.2); short protein forms T977fs, T863fs.
Identifiers: ClinVar variation 21820 (VCV000021820.11), dbSNP rs397507169, ClinGen allele CA342557.

ClinVar aggregate classification (germline): Pathogenic. Review status: criteria provided, multiple submitters, no conflicts (2 of 4 stars). 4 submissions from 4 submitters: Pathogenic (3). 1 of the submissions does not count toward it. Last evaluated 2026-03-05.

Conditions:
HPS5-related disorder. Also called: HPS5-related condition.
Hermansky-Pudlak syndrome 5 (HPS5). Identifiers: Orphanet 231512, Orphanet 79430, MedGen C3888004, MONDO:0013557, OMIM 614074.

Allele frequency attached by ClinVar (database versions not stated): TOPMed below 0.00001.

Submissions (4):

PreventionGenetics, part of Exact Sciences
Classification: Pathogenic for HPS5-related condition. Last evaluated: 2026-03-05. Review status: criteria provided, single submitter. Criteria: ACMG Guidelines, 2015. Collection method: clinical testing. Allele origin: germline.
Comment: The HPS5 c.2928_2929dupGA variant is predicted to result in a frameshift and premature protein termination (p.Thr977Argfs*15). This variant has been reported in the compound heterozygous state in an individual with Hermansky-Pudlak syndrome type 5 (Reported as T977insGA, Huizing et al. 2004. PubMed ID: 15296495). This variant has not been reported in a large population database (gnomAD), indicating this variant is rare. Frameshift variants in HPS5 are expected to be pathogenic. This variant is interpreted as pathogenic.

Labcorp Genetics (formerly Invitae), Labcorp
Classification: Pathogenic. Last evaluated: 2025-11-11. Review status: criteria provided, single submitter. Criteria: Invitae Variant Classification Sherloc (09022015). Collection method: clinical testing. Allele origin: germline.
Comment: This sequence change creates a premature translational stop signal (p.Thr977Argfs*15) in the HPS5 gene. It is expected to result in an absent or disrupted protein product. Loss-of-function variants in HPS5 are known to be pathogenic (PMID: 12548288, 15296495, 21833017, 26785811). This variant is not present in population databases (gnomAD no frequency). This premature translational stop signal has been observed in individual(s) with Hermansky–Pudlak syndrome (PMID: 15296495). This variant is also known as T977insGA. ClinVar contains an entry for this variant (Variation ID: 21820). For these reasons, this variant has been classified as Pathogenic.

Fulgent Genetics
Classification: Pathogenic for Hermansky-Pudlak syndrome 5. Last evaluated: 2022-04-27. Review status: criteria provided, single submitter. Criteria: ACMG Guidelines, 2015. Collection method: clinical testing. Allele origin: unknown.

OMIM
Classification: Pathogenic for HERMANSKY-PUDLAK SYNDROME 5. Last evaluated: 2004-09-01. Review status: no assertion criteria provided. Collection method: literature only. Allele origin: germline. Not counted in ClinVar's aggregate classification.

Literature cited by the submitters: PubMed 12548288 (cited by Labcorp Genetics (formerly Invitae), Labcorp); PubMed 15296495 (cited by Labcorp Genetics (formerly Invitae), Labcorp and OMIM); PubMed 21833017 (cited by Labcorp Genetics (formerly Invitae), Labcorp); PubMed 26785811 (cited by Labcorp Genetics (formerly Invitae), Labcorp); PubMed 28296950 (cited by OMIM).